The following is an entry in ClinVar:

ClinVar aggregate classification (germline): Uncertain significance (1 of 4 stars; one submission).

Submission:

Labcorp Genetics (formerly Invitae), Labcorp
Classification: Uncertain significance. Last evaluated: 2020-01-23. Review status: criteria provided, single submitter. Criteria: Invitae Variant Classification Sherloc (09022015). Collection method: clinical testing. Allele origin: germline.
Comment: In summary, the available evidence is currently insufficient to determine the role of this variant in disease. Therefore, it has been classified as a Variant of Uncertain Significance. Algorithms developed to predict the effect of missense changes on protein structure and function (SIFT, PolyPhen-2, Align-GVGD) all suggest that this variant is likely to be disruptive, but these predictions have not been confirmed by published functional studies and their clinical significance is uncertain. This variant has not been reported in the literature in individuals with ABCA4-related conditions. This variant is not present in population databases (ExAC no frequency). This sequence change replaces isoleucine with asparagine at codon 214 of the ABCA4 protein (p.Ile214Asn). The isoleucine residue is highly conserved and there is a large physicochemical difference between isoleucine and asparagine.

NM_000350.3(ABCA4):c.641T>A (p.Ile214Asn)

Gene: ABCA4 (ATP binding cassette subfamily A member 4; minus strand). Cytogenetic location: 1p22.1.
Variant type: single nucleotide variant.
Coding change: c.641T>A on transcript NM_000350.3 (MANE Select); coding-DNA position 641, T replaced by A.
Protein change: p.Ile214Asn; replaces isoleucine 214 with asparagine.
Molecular consequence: missense variant.
Genome position (GRCh38, 1-based): chr1:94,098,921, A>T on the plus strand (T>A on the coding strand, the complement: ABCA4 is on the minus strand). VCF-style: chr1-94098921-A-T. GRCh37 (hg19) VCF-style: chr1-94564477-A-T.
Other names: c.641T>A, p.Ile214Asn (NM_001425324.1); short protein forms I214N.
Identifiers: ClinVar variation 1047092 (VCV001047092.9), dbSNP rs1662213265, ClinGen allele CA341289600.